The following is an entry in ClinVar:

NM_000441.2(SLC26A4):c.1041G>A (p.Ser347=)

Gene: SLC26A4 (solute carrier family 26 member 4; plus strand). Cytogenetic location: 7q22.3.
Variant type: single nucleotide variant.
Coding change: c.1041G>A on transcript NM_000441.2 (MANE Select); coding-DNA position 1041, G replaced by A.
Protein change: p.Ser347=; no amino-acid change (serine 347 retained).
Molecular consequence: synonymous variant.
Genome position (GRCh38, 1-based): chr7:107,689,092, G>A. VCF-style: chr7-107689092-G-A. GRCh37 (hg19) VCF-style: chr7-107329537-G-A.
Other names: c.1041G>A (NM_000441.1).
Identifiers: ClinVar variation 2141814 (VCV002141814.2), dbSNP rs140778437, ClinGen allele CA4432666.
Genomic context (GRCh38, chr7:107,689,092, plus strand): 5'-TTTCACTTAAAAACTCACTAGGTTTTTGCCTCCTGAACTTCCACCTGTGAGCTTGTTCTC[G>A]GAGATGCTGGCTGCATCATTTTCCATCGCTGTGGTGGCTTATGCTATTGCAGTGTCAGTA-3'
Protein context (NP_000432.1, residues 337-357): PPELPPVSLF[Ser347=]EMLAASFSIA

ClinVar aggregate classification (germline): Conflicting classifications of pathogenicity. Review status: criteria provided, conflicting classifications (1 of 4 stars). 2 submissions from 2 submitters: Uncertain significance (1); Likely benign (1). Last evaluated 2024-11-22.

Conditions:
SLC26A4-related disorder. Also called: SLC26A4-related condition; SLC26A4-related disorders.

Allele frequency attached by ClinVar (database versions not stated): ExAC 0.00005; gnomAD 0.00005; ESP Exome Variant Server 0.00008.
gnomAD v4.1: 87 of 1,613,752 alleles (0.0054%); highest among the groups gnomAD compares: South Asian, 0.034%; no homozygotes.

Submissions (2):

PreventionGenetics, part of Exact Sciences
Classification: Likely benign for SLC26A4-related condition. Last evaluated: 2024-11-22. Review status: criteria provided, single submitter. Criteria: ACMG Guidelines, 2015. Collection method: clinical testing. Allele origin: germline.
Comment: This variant is classified as likely benign based on ACMG/AMP sequence variant interpretation guidelines (Richards et al. 2015 PMID: 25741868, with internal and published modifications).

Labcorp Genetics (formerly Invitae), Labcorp
Classification: Uncertain significance. Last evaluated: 2022-03-10. Review status: criteria provided, single submitter. Criteria: Invitae Variant Classification Sherloc (09022015). Collection method: clinical testing. Allele origin: germline.
Comment: This sequence change replaces serine, which is neutral and polar, with serine, which is neutral and polar, at codon 347 of the SLC26A4 protein (Silent). This variant is present in population databases (rs140778437, gnomAD 0.03%). This variant has not been reported in the literature in individuals affected with SLC26A4-related conditions. Algorithms developed to predict the effect of sequence changes on RNA splicing suggest that this variant is not likely to affect RNA splicing. In summary, the available evidence is currently insufficient to determine the role of this variant in disease. Therefore, it has been classified as a Variant of Uncertain Significance.